The following is an entry in ClinVar:

ClinVar aggregate classification (germline): Uncertain significance (1 of 4 stars; one submission).

Conditions:
Hereditary cancer-predisposing syndrome. Also called: Neoplastic Syndromes, Hereditary; Tumor predisposition; Hereditary Cancer Syndrome; Hereditary neoplastic syndrome. Identifiers: Orphanet 140162, MedGen C0027672, MeSH D009386, MONDO:0015356.

Submission:

Color Diagnostics, LLC DBA Color Health
Classification: Uncertain significance for Hereditary cancer-predisposing syndrome. Last evaluated: 2024-09-23. Review status: criteria provided, single submitter. Criteria: ACMG Guidelines, 2015. Collection method: clinical testing. Allele origin: germline.
Comment: This missense variant replaces proline with histidine at codon 569 of the BARD1 protein. Computational prediction suggests that this variant may not impact protein structure and function (internally defined REVEL score threshold <= 0.5, PMID: 27666373). To our knowledge, functional studies have not been reported for this variant. This variant has not been reported in individuals affected with BARD1-related disorders in the literature. This variant has not been identified in the general population by the Genome Aggregation Database (gnomAD). The available evidence is insufficient to determine the role of this variant in disease conclusively. Therefore, this variant is classified as a Variant of Uncertain Significance.

NM_000465.4(BARD1):c.1706C>A (p.Pro569His)

Gene: BARD1 (BRCA1 associated RING domain 1; minus strand). Cytogenetic location: 2q35.
Variant type: single nucleotide variant.
Coding change: c.1706C>A on transcript NM_000465.4 (MANE Select); coding-DNA position 1706, C replaced by A.
Protein change: p.Pro569His; replaces proline 569 with histidine.
Molecular consequence: missense variant. On other transcripts: non-coding transcript variant (3), intron variant (1).
Genome position (GRCh38, 1-based): chr2:214,745,826, G>T on the plus strand (C>A on the coding strand, the complement: BARD1 is on the minus strand). VCF-style: chr2-214745826-G-T. GRCh37 (hg19) VCF-style: chr2-215610550-G-T.
Other names: c.1649C>A, p.Pro550His (NM_001282543.2); c.353C>A, p.Pro118His (NM_001282545.2); c.296C>A, p.Pro99His (NM_001282548.2); c.365-15318C>A (NM_001282549.2); short protein forms P118H, P550H, P569H, P99H.
Identifiers: ClinVar variation 3894082 (VCV003894082.1).